The following is an entry in ClinVar:

NM_130811.4(SNAP25):c.482G>A (p.Arg161His)

Gene: SNAP25 (synaptosome associated protein 25; plus strand). Cytogenetic location: 20p12.2.
Variant type: single nucleotide variant.
Coding change: c.482G>A on transcript NM_130811.4 (MANE Select); coding-DNA position 482, G replaced by A.
Protein change: p.Arg161His; replaces arginine 161 with histidine.
Molecular consequence: missense variant.
Genome position (GRCh38, 1-based): chr20:10,299,342, G>A. VCF-style: chr20-10299342-G-A. GRCh37 (hg19) VCF-style: chr20-10279990-G-A.
Other names: c.482G>A, p.Arg161His (NM_001322902.2, NM_001322903.2, NM_001322904.2 and 9 more transcripts); short protein forms R161H.
Identifiers: ClinVar variation 3666313 (VCV003666313.2).

ClinVar aggregate classification (germline): Uncertain significance (1 of 4 stars; one submission).

Conditions:
Congenital myasthenic syndrome 18. Also called: MYASTHENIC SYNDROME, CONGENITAL, 18, WITH INTELLECTUAL DISABILITY AND ATAXIA. Identifiers: Orphanet 590, MedGen C4225364, MONDO:0014590, OMIM 616330.

gnomAD v4.1: 9 of 1,613,926 alleles (0.00056%); highest among the groups gnomAD compares: African/African-American, 0.0013%; no homozygotes.

Submission:

Labcorp Genetics (formerly Invitae), Labcorp
Classification: Uncertain significance for Congenital myasthenic syndrome 18. Last evaluated: 2024-03-07. Review status: criteria provided, single submitter. Criteria: Invitae Variant Classification Sherloc (09022015). Collection method: clinical testing. Allele origin: germline.
Comment: This sequence change replaces arginine, which is basic and polar, with histidine, which is basic and polar, at codon 161 of the SNAP25 protein (p.Arg161His). This variant is present in population databases (rs765666793, gnomAD 0.01%). This variant has not been reported in the literature in individuals affected with SNAP25-related conditions. An algorithm developed to predict the effect of missense changes on protein structure and function (PolyPhen-2) suggests that this variant is likely to be disruptive. In summary, the available evidence is currently insufficient to determine the role of this variant in disease. Therefore, it has been classified as a Variant of Uncertain Significance.